The following is an entry in ClinVar:

NM_003922.4(HERC1):c.1259C>T (p.Thr420Met)

Gene: HERC1 (HECT and RLD domain containing E3 ubiquitin protein ligase family member 1; minus strand). Cytogenetic location: 15q22.31.
Variant type: single nucleotide variant.
Coding change: c.1259C>T on transcript NM_003922.4 (MANE Select); coding-DNA position 1259, C replaced by T.
Protein change: p.Thr420Met; replaces threonine 420 with methionine.
Molecular consequence: missense variant.
Genome position (GRCh38, 1-based): chr15:63,756,711, G>A on the plus strand (C>T on the coding strand, the complement: HERC1 is on the minus strand). VCF-style: chr15-63756711-G-A. GRCh37 (hg19) VCF-style: chr15-64048910-G-A.
Other names: short protein forms T420M.
Identifiers: ClinVar variation 782597 (VCV000782597.15), dbSNP rs201387092, ClinGen allele CA7606497.
Genomic context (GRCh38, chr15:63,756,711, plus strand): 5'-GAGTCTCCAAGGCCCAGTCTCCCATAGCTGCCTTTCCCGCAAGCTCTAACAGAGCCATCC[G>A]TAGAAATGACAAAAGTGCAGTACTGTCCAGCTTCAATCTATAAACAAAGAATCATAAATA-3'
Protein context (NP_003913.3, residues 410-430): AGQYCTFVIS[Thr420Met]DGSVRACGKG

ClinVar aggregate classification (germline): Conflicting classifications of pathogenicity. Review status: criteria provided, conflicting classifications (1 of 4 stars). 4 submissions from 4 submitters: Uncertain significance (2); Likely benign (1). 1 of the submissions does not count toward it. Last evaluated 2026-07-24.

Conditions:
HERC1-related disorder. Also called: HERC1-related condition.

Allele frequency attached by ClinVar (database versions not stated): 1000 Genomes Project 0.00040; gnomAD 0.00086 and 0.00078; 1000 Genomes Project 30x 0.00031; gnomAD exomes 0.00010 and 0.00024; ExAC 0.00034; TOPMed 0.00088; ESP Exome Variant Server 0.00084.
gnomAD v4.1: 265 of 1,611,356 alleles (0.016%); highest among the groups gnomAD compares: African/African-American, 0.28%; no homozygotes.

Submissions (4):

GeneDx
Classification: Uncertain significance. Last evaluated: 2026-07-24. Review status: criteria provided, single submitter. Criteria: GeneDx Variant Classification Process June 2021. Collection method: clinical testing. Allele origin: germline.
Comment: In silico analysis suggests that this missense variant does not alter protein structure/function; Has not been previously published as pathogenic or benign in association with a HERC1-related disorder to our knowledge; This variant is associated with the following publications: (PMID: 38141912)

Labcorp Genetics (formerly Invitae), Labcorp
Classification: Likely benign. Last evaluated: 2025-12-19. Review status: criteria provided, single submitter. Criteria: Invitae Variant Classification Sherloc (09022015). Collection method: clinical testing. Allele origin: germline.

Women's Health and Genetics/Laboratory Corporation of America, LabCorp
Classification: Uncertain significance. Last evaluated: 2022-11-15. Review status: criteria provided, single submitter. Criteria: LabCorp Variant Classification Summary - May 2015. Collection method: clinical testing. Allele origin: germline.
Comment: Variant summary: HERC1 c.1259C>T (p.Thr420Met) results in a non-conservative amino acid change in the encoded protein sequence. Three of five in-silico tools predict a damaging effect of the variant on protein function. The variant allele was found at a frequency of 0.00024 in 245066 control chromosomes (gnomAD). To our knowledge, no occurrence of c.1259C>T in individuals affected with Macrocephaly, Dysmorphic Facies, And Psychomotor Retardation and no experimental evidence demonstrating its impact on protein function have been reported. One clinical diagnostic laboratory has submitted clinical-significance assessments for this variant to ClinVar after 2014 and classified the variant as likely benign. Based on the evidence outlined above, the variant was classified as uncertain significance.

PreventionGenetics, part of Exact Sciences
Classification: Likely benign for HERC1-related condition. Last evaluated: 2023-01-30. Review status: no assertion criteria provided. Collection method: clinical testing. Allele origin: germline. Not counted in ClinVar's aggregate classification.
Comment: This variant is classified as likely benign based on ACMG/AMP sequence variant interpretation guidelines (Richards et al. 2015 PMID: 25741868, with internal and published modifications).